The following is an entry in ClinVar:

NM_001376232.1(ZP2):c.74C>G (p.Ser25Trp)

Gene: ZP2 (zona pellucida glycoprotein 2; minus strand). Cytogenetic location: 16p12.2.
Variant type: single nucleotide variant.
Coding change: c.74C>G on transcript NM_001376232.1 (MANE Select); coding-DNA position 74, C replaced by G.
Protein change: p.Ser25Trp; replaces serine 25 with tryptophan.
Molecular consequence: missense variant. On other transcripts: non-coding transcript variant (1).
Genome position (GRCh38, 1-based): chr16:21,211,384, G>C on the plus strand (C>G on the coding strand, the complement: ZP2 is on the minus strand). VCF-style: chr16-21211384-G-C. GRCh37 (hg19) VCF-style: chr16-21222705-G-C.
Other names: c.74C>G, p.Ser25Trp (NM_001376231.1, NM_001376233.1, NM_003460.2); short protein forms S25W.
Identifiers: ClinVar variation 2379547 (VCV002379547.24), dbSNP rs188803389, ClinGen allele CA7950231.

ClinVar aggregate classification (germline): Uncertain significance. Review status: criteria provided, multiple submitters, no conflicts (2 of 4 stars). 2 submissions from 2 submitters: Uncertain significance (2). Last evaluated 2023-12-01.

Allele frequency attached by ClinVar (database versions not stated): 1000 Genomes Project 30x 0.00016; 1000 Genomes Project 0.00020; gnomAD 0.00021; TOPMed 0.00025.
gnomAD v4.1: 74 of 1,614,072 alleles (0.0046%); highest among the groups gnomAD compares: African/African-American, 0.088%; no homozygotes.

Submissions (2):

CeGaT Center for Human Genetics Tuebingen
Classification: Uncertain significance. Last evaluated: 2023-12-01. Review status: criteria provided, single submitter. Criteria: CeGaT Center For Human Genetics Tuebingen Variant Classification Criteria Version 2. Collection method: clinical testing. Allele origin: germline. Affected: yes. Observed: 1 variant allele.
Comment: ZP2: PM2, BP4

Ambry Genetics
Classification: Uncertain significance. Last evaluated: 2022-11-09. Review status: criteria provided, single submitter. Criteria: Ambry Variant Classification Scheme 2023. Collection method: clinical testing. Allele origin: germline.